The following is an entry in ClinVar:

NM_001197104.2(KMT2A):c.287C>G (p.Ser96Trp)

Gene: KMT2A (lysine methyltransferase 2A; plus strand). Cytogenetic location: 11q23.3.
Variant type: single nucleotide variant.
Coding change: c.287C>G on transcript NM_001197104.2 (MANE Select); coding-DNA position 287, C replaced by G.
Protein change: p.Ser96Trp; replaces serine 96 with tryptophan.
Molecular consequence: missense variant.
Genome position (GRCh38, 1-based): chr11:118,436,799, C>G. VCF-style: chr11-118436799-C-G. GRCh37 (hg19) VCF-style: chr11-118307514-C-G.
Other names: c.287C>G, p.Ser96Trp (NM_001412597.1, NM_005933.4); short protein forms S96W.
Identifiers: ClinVar variation 2862928 (VCV002862928.3), dbSNP rs201155865, ClinGen allele CA382798048.

ClinVar aggregate classification (germline): Uncertain significance (1 of 4 stars; one submission).

Submission:

Labcorp Genetics (formerly Invitae), Labcorp
Classification: Uncertain significance. Last evaluated: 2025-09-13. Review status: criteria provided, single submitter. Criteria: Invitae Variant Classification Sherloc (09022015). Collection method: clinical testing. Allele origin: germline.
Comment: This sequence change replaces serine, which is neutral and polar, with tryptophan, which is neutral and slightly polar, at codon 96 of the KMT2A protein (p.Ser96Trp). This variant is not present in population databases (gnomAD no frequency). This variant has not been reported in the literature in individuals affected with KMT2A-related conditions. ClinVar contains an entry for this variant (Variation ID: 2862928). Invitae Evidence Modeling of protein sequence and biophysical properties (such as structural, functional, and spatial information, amino acid conservation, physicochemical variation, residue mobility, and thermodynamic stability) has been performed for this missense variant. However, the output from this modeling did not meet the statistical confidence thresholds required to predict the impact of this variant on KMT2A protein function. In summary, the available evidence is currently insufficient to determine the role of this variant in disease. Therefore, it has been classified as a Variant of Uncertain Significance.